The following is an entry in ClinVar:

NM_024685.4(BBS10):c.575A>C (p.Gln192Pro)

Gene: BBS10 (Bardet-Biedl syndrome 10; minus strand). Cytogenetic location: 12q21.2.
Variant type: single nucleotide variant.
Coding change: c.575A>C on transcript NM_024685.4 (MANE Select); coding-DNA position 575, A replaced by C.
Protein change: p.Gln192Pro; replaces glutamine 192 with proline.
Molecular consequence: missense variant.
Genome position (GRCh38, 1-based): chr12:76,347,410, T>G on the plus strand (A>C on the coding strand, the complement: BBS10 is on the minus strand). VCF-style: chr12-76347410-T-G. GRCh37 (hg19) VCF-style: chr12-76741190-T-G.
Other names: short protein forms Q192P.
Identifiers: ClinVar variation 2848859 (VCV002848859.3), dbSNP rs2540956674, ClinGen allele CA385814886.

ClinVar aggregate classification (germline): Uncertain significance (1 of 4 stars; one submission).

Conditions:
Bardet-Biedl syndrome (BBS). Identifiers: Orphanet 110, MedGen C0752166, MONDO:0015229.

Allele frequency attached by ClinVar (database versions not stated): gnomAD exomes below 0.00001.

Submission:

Labcorp Genetics (formerly Invitae), Labcorp
Classification: Uncertain significance for Bardet-Biedl syndrome. Last evaluated: 2023-03-23. Review status: criteria provided, single submitter. Criteria: Invitae Variant Classification Sherloc (09022015). Collection method: clinical testing. Allele origin: germline.
Comment: Advanced modeling of protein sequence and biophysical properties (such as structural, functional, and spatial information, amino acid conservation, physicochemical variation, residue mobility, and thermodynamic stability) performed at Invitae indicates that this missense variant is expected to disrupt BBS10 protein function. In summary, the available evidence is currently insufficient to determine the role of this variant in disease. Therefore, it has been classified as a Variant of Uncertain Significance. This missense change has been observed in individual(s) with clinical features of Bardet-Biedl syndrome (Invitae). In at least one individual the data is consistent with being in trans (on the opposite chromosome) from a pathogenic variant. This variant is not present in population databases (gnomAD no frequency). This sequence change replaces glutamine, which is neutral and polar, with proline, which is neutral and non-polar, at codon 192 of the BBS10 protein (p.Gln192Pro).